The following is an entry in ClinVar:

NM_024675.4(PALB2):c.2T>C (p.Met1Thr)

Gene: PALB2 (partner and localizer of BRCA2; minus strand). Cytogenetic location: 16p12.2.
Variant type: single nucleotide variant.
Coding change: c.2T>C on transcript NM_024675.4 (MANE Select); coding-DNA position 2, T replaced by C.
Protein change: p.Met1Thr; changes the start codon (methionine 1).
Molecular consequence: missense variant, initiator codon variant.
Genome position (GRCh38, 1-based): chr16:23,641,156, A>G on the plus strand (T>C on the coding strand, the complement: PALB2 is on the minus strand). VCF-style: chr16-23641156-A-G. GRCh37 (hg19) VCF-style: chr16-23652477-A-G.
Other names: short protein forms M1T.
Identifiers: ClinVar variation 241558 (VCV000241558.21), dbSNP rs756519825, ClinGen allele CA7963891.

ClinVar aggregate classification (germline): Pathogenic/Likely pathogenic. Review status: criteria provided, multiple submitters, no conflicts (2 of 4 stars). 4 submissions from 4 submitters: Pathogenic (1); Likely pathogenic (3). Last evaluated 2025-02-04.

Conditions:
Hereditary cancer-predisposing syndrome. Also called: Tumor predisposition; Neoplastic Syndromes, Hereditary; Hereditary Cancer Syndrome; Hereditary neoplastic syndrome. Identifiers: Orphanet 140162, MedGen C0027672, MeSH D009386, MONDO:0015356.
Familial cancer of breast. Also called: Hereditary breast cancer; BREAST CANCER, FAMILIAL; hereditary breast carcinoma. Identifiers: Orphanet 227535, MedGen C0346153, MONDO:0016419, OMIM 114480. Disease mechanism: loss of function.

Allele frequency attached by ClinVar (database versions not stated): gnomAD exomes below 0.00001; ExAC 0.00001.

Submissions (4):

Department of Clinical Genetics, Copenhagen University Hospital, Rigshospitalet
Classification: Likely pathogenic for Hereditary cancer-predisposing syndrome. Last evaluated: 2025-02-04. Review status: criteria provided, single submitter. Criteria: ACMG Guidelines, 2015. Collection method: clinical testing. Allele origin: germline.
Comment: PVS1; PM2_SUP

Ambry Genetics
Classification: Likely pathogenic for Hereditary cancer-predisposing syndrome. Last evaluated: 2025-01-09. Review status: criteria provided, single submitter. Criteria: Ambry Variant Classification Scheme 2023. Collection method: clinical testing. Allele origin: germline.
Comment: The p.M1? variant (also known as c.2T>C) is located in coding exon 1 of the PALB2 gene and results from a T to C substitution at nucleotide position 2. This alters the methionine residue at the initiation codon (ATG). This alteration has been identified in multiple individuals with a personal and/or family history of breast and/or ovarian cancer (Cybulski C et al. Int J Cancer 2019 12;145(12):3311-3320; Dorling L et al. N Engl J Med 2021 02;384(5):428-439; Espinel W et al. Cancers (Basel), 2022 May;14:). This amino acid position is highly conserved in available vertebrate species. This variant is considered to be rare based on population cohorts in the Genome Aggregation Database (gnomAD). In addition to the clinical data presented in the literature, sequence variations that modify the initiation codon are expected to result in either loss of translation initiation, N-terminal truncation, or cause a shift in the mRNA reading frame. Based on the majority of available evidence to date, this variant is likely to be pathogenic.

Labcorp Genetics (formerly Invitae), Labcorp
Classification: Pathogenic for Familial cancer of breast. Last evaluated: 2024-07-30. Review status: criteria provided, single submitter. Criteria: Invitae Variant Classification Sherloc (09022015). Collection method: clinical testing. Allele origin: germline.
Comment: This sequence change affects the initiator methionine of the PALB2 mRNA. The next in-frame methionine is located at codon 296. This variant is present in population databases (rs756519825, gnomAD 0.0009%). Disruption of the initiator codon has been observed in individual(s) with breast cancer, pancreatic cancer and bile duct cancer (PMID: 31173646, 31263571, 31871297). ClinVar contains an entry for this variant (Variation ID: 241558). If translation initiation is rescued by the downstream methionine at codon 296, this would result in loss of the coiled-coil domain (p.Leu9-Glu42) of the PALB2 protein, which is critical for the interaction between BRCA1/BRCA2, and necessary for homology-directed DNA repair (PMID: 16793542, 19369211, 26649820, 25099575). This variant disrupts a region of the PALB2 protein in which other variant(s) (p.Leu35Pro) have been determined to be pathogenic (PMID: 28319063, 30337689, 31586400). This suggests that this is a clinically significant region of the protein, and that variants that disrupt it are likely to be disease-causing. For these reasons, this variant has been classified as Pathogenic.

Myriad Genetics, Inc.
Classification: Likely pathogenic for Familial cancer of breast. Last evaluated: 2023-09-06. Review status: criteria provided, single submitter. Criteria: Myriad Autosomal Dominant, Autosomal Recessive and X-Linked Classification Criteria (2023). Collection method: clinical testing. Allele origin: unknown.
Comment: This variant is considered likely pathogenic. This variant is located within the gene translation start codon (p.Met1?) and is predicted to result in abnormal protein translation.

Literature cited by the submitters: PubMed 35626031 (cited by Ambry Genetics); PubMed 31173646 (cited by Labcorp Genetics (formerly Invitae), Labcorp); PubMed 31263571 (cited by Labcorp Genetics (formerly Invitae), Labcorp); PubMed 31871297 (cited by Labcorp Genetics (formerly Invitae), Labcorp); PubMed 16793542 (cited by Labcorp Genetics (formerly Invitae), Labcorp); PubMed 19369211 (cited by Labcorp Genetics (formerly Invitae), Labcorp); PubMed 26649820 (cited by Labcorp Genetics (formerly Invitae), Labcorp); PubMed 25099575 (cited by Labcorp Genetics (formerly Invitae), Labcorp); PubMed 28319063 (cited by Labcorp Genetics (formerly Invitae), Labcorp); PubMed 30337689 (cited by Labcorp Genetics (formerly Invitae), Labcorp); PubMed 31586400 (cited by Labcorp Genetics (formerly Invitae), Labcorp).